The following is an entry in ClinVar:

ClinVar aggregate classification (germline): Uncertain significance. Review status: criteria provided, multiple submitters, no conflicts (2 of 4 stars). 3 submissions from 3 submitters: Uncertain significance (3). Last evaluated 2025-10-30.

Conditions:
Inborn genetic diseases. Identifiers: MedGen C0950123, MeSH D030342.
Leber congenital amaurosis 9 (LCA9). Also called: LCA 9; Amaurosis congenita of Leber, type 9; LCA9 Leber Congenital Amaurosis. Identifiers: Orphanet 65, MedGen C1837873, MONDO:0012056, OMIM 608553.

Allele frequency attached by ClinVar (database versions not stated): ExAC 0.00001; gnomAD exomes 0.00001; TOPMed 0.00003; gnomAD 0.00004 and 0.00005.
gnomAD v4.1: 15 of 1,613,818 alleles (0.00093%); highest among the groups gnomAD compares: African/African-American, 0.013%; no homozygotes.

Submissions (3):

Ambry Genetics
Classification: Uncertain significance for Inborn genetic diseases. Last evaluated: 2025-10-30. Review status: criteria provided, single submitter. Criteria: Ambry Variant Classification Scheme 2023. Collection method: clinical testing. Allele origin: germline.

Labcorp Genetics (formerly Invitae), Labcorp
Classification: Uncertain significance for Leber congenital amaurosis 9. Last evaluated: 2025-03-26. Review status: criteria provided, single submitter. Criteria: Invitae Variant Classification Sherloc (09022015). Collection method: clinical testing. Allele origin: germline.
Comment: This sequence change replaces proline, which is neutral and non-polar, with threonine, which is neutral and polar, at codon 62 of the NMNAT1 protein (p.Pro62Thr). This variant is present in population databases (rs765892459, gnomAD 0.008%). This variant has not been reported in the literature in individuals affected with NMNAT1-related conditions. ClinVar contains an entry for this variant (Variation ID: 1041004). Invitae Evidence Modeling of protein sequence and biophysical properties (such as structural, functional, and spatial information, amino acid conservation, physicochemical variation, residue mobility, and thermodynamic stability) indicates that this missense variant is not expected to disrupt NMNAT1 protein function with a negative predictive value of 80%. In summary, the available evidence is currently insufficient to determine the role of this variant in disease. Therefore, it has been classified as a Variant of Uncertain Significance.

Blueprint Genetics
Classification: Uncertain significance. Last evaluated: 2022-10-27. Review status: criteria provided, single submitter. Criteria: ACMG Guidelines, 2015. Collection method: clinical testing. Allele origin: germline.

NM_022787.4(NMNAT1):c.184C>A (p.Pro62Thr)

Gene: NMNAT1 (nicotinamide nucleotide adenylyltransferase 1; plus strand). Cytogenetic location: 1p36.22.
Variant type: single nucleotide variant.
Coding change: c.184C>A on transcript NM_022787.4 (MANE Select); coding-DNA position 184, C replaced by A.
Protein change: p.Pro62Thr; replaces proline 62 with threonine.
Molecular consequence: missense variant.
Genome position (GRCh38, 1-based): chr1:9,975,660, C>A. VCF-style: chr1-9975660-C-A. GRCh37 (hg19) VCF-style: chr1-10035718-C-A.
Other names: c.184C>A (NM_022787.3); c.184C>A, p.Pro62Thr (NM_001297778.1, NM_001297779.2); short protein forms P62T.
Identifiers: ClinVar variation 1041004 (VCV001041004.10), dbSNP rs765892459, ClinGen allele CA579176.